The following is an entry in ClinVar:

ClinVar aggregate classification (germline): Uncertain significance (1 of 4 stars; one submission).

Conditions:
Autosomal dominant epilepsy with auditory features. Identifiers: Orphanet 101046, MedGen C1838062, MONDO:0010898.

Allele frequency attached by ClinVar (database versions not stated): gnomAD exomes below 0.00001; ExAC 0.00001; gnomAD 0.00001; TOPMed 0.00001.
gnomAD v4.1: 21 of 1,614,074 alleles (0.0013%); highest among the groups gnomAD compares: Non-Finnish European, 0.0018%; no homozygotes.

Submission:

Labcorp Genetics (formerly Invitae), Labcorp
Classification: Uncertain significance for Autosomal dominant epilepsy with auditory features. Last evaluated: 2025-04-20. Review status: criteria provided, single submitter. Criteria: Invitae Variant Classification Sherloc (09022015). Collection method: clinical testing. Allele origin: germline.
Comment: This sequence change replaces valine, which is neutral and non-polar, with glutamic acid, which is acidic and polar, at codon 444 of the LGI1 protein (p.Val444Glu). This variant is present in population databases (rs775901528, gnomAD 0.0009%). This variant has not been reported in the literature in individuals affected with LGI1-related conditions. ClinVar contains an entry for this variant (Variation ID: 571992). Invitae Evidence Modeling of protein sequence and biophysical properties (such as structural, functional, and spatial information, amino acid conservation, physicochemical variation, residue mobility, and thermodynamic stability) indicates that this missense variant is not expected to disrupt LGI1 protein function with a negative predictive value of 80%. In summary, the available evidence is currently insufficient to determine the role of this variant in disease. Therefore, it has been classified as a Variant of Uncertain Significance.

NM_005097.4(LGI1):c.1331T>A (p.Val444Glu)

Gene: LGI1 (leucine rich glioma inactivated 1; plus strand). Cytogenetic location: 10q23.33.
Variant type: single nucleotide variant.
Coding change: c.1331T>A on transcript NM_005097.4 (MANE Select); coding-DNA position 1331, T replaced by A.
Protein change: p.Val444Glu; replaces valine 444 with glutamic acid.
Molecular consequence: missense variant. On other transcripts: non-coding transcript variant (1), intron variant (1).
Genome position (GRCh38, 1-based): chr10:93,797,460, T>A. VCF-style: chr10-93797460-T-A. GRCh37 (hg19) VCF-style: chr10-95557217-T-A.
Other names: c.1187T>A, p.Val396Glu (NM_001308276.2); c.839-289T>A (NM_001308275.2); short protein forms V444E, V396E.
Identifiers: ClinVar variation 571992 (VCV000571992.12), dbSNP rs775901528, ClinGen allele CA5611256.